The following is an entry in ClinVar:

NM_003072.5(SMARCA4):c.4171-1821C>G

Gene: SMARCA4 (SWI/SNF related BAF chromatin remodeling complex subunit ATPase 4; plus strand). Cytogenetic location: 19p13.2.
Variant type: single nucleotide variant.
Coding change: c.4171-1821C>G on transcript NM_003072.5 (MANE Select); 1821 bases into the intron before coding-DNA position 4171, C replaced by G.
Molecular consequence: intron variant. On other transcripts: missense variant (1).
Genome position (GRCh38, 1-based): chr19:11,039,486, C>G. VCF-style: chr19-11039486-C-G. GRCh37 (hg19) VCF-style: chr19-11150162-C-G.
Other names: c.4199C>G, p.Thr1400Arg (NM_001128849.3); c.4171-1821C>G (NM_001128844.3); c.4072-1821C>G (NM_001128847.4, NM_001374457.1, NM_001128848.2); c.4072-1812C>G (NM_001128845.2, NM_001128846.2); short protein forms T1400R.
Identifiers: ClinVar variation 824662 (VCV000824662.13), dbSNP rs1600445482, ClinGen allele CA404071276.
Genomic context (GRCh38, chr19:11,039,486, plus strand): 5'-CACTAAACAGACATTAAAAAATTTTGTTGTAGAAAATTACAGGAAAAGATATCCATGACA[C>G]AGCCAGCAGTGTGGCACGTGGGCTACAATTCCAGCGTGGCCTTCAGTTCTGCACACGTGC-3'

ClinVar aggregate classification (germline): Conflicting classifications of pathogenicity. Review status: criteria provided, conflicting classifications (1 of 4 stars). 2 submissions from 2 submitters: Uncertain significance (1); Likely benign (1). Last evaluated 2025-08-07.

Conditions:
Rhabdoid tumor predisposition syndrome 2 (RTPS2). Identifiers: Orphanet 231108, Orphanet 69077, MedGen C2750074, MONDO:0013224, OMIM 613325.
Hereditary cancer-predisposing syndrome. Also called: Neoplastic Syndromes, Hereditary; Tumor predisposition; Hereditary neoplastic syndrome; Hereditary Cancer Syndrome. Identifiers: Orphanet 140162, MedGen C0027672, MeSH D009386, MONDO:0015356.

gnomAD v4.1: 1 of 1,603,270 alleles (0.000062%); highest among the groups gnomAD compares: Non-Finnish European, 0.000085%; no homozygotes.

Submissions (2):

Ambry Genetics
Classification: Likely benign for Hereditary cancer-predisposing syndrome. Last evaluated: 2025-08-07. Review status: criteria provided, single submitter. Criteria: Ambry Variant Classification Scheme 2023. Collection method: clinical testing. Allele origin: germline.

Labcorp Genetics (formerly Invitae), Labcorp
Classification: Uncertain significance for Rhabdoid tumor predisposition syndrome 2. Last evaluated: 2025-06-02. Review status: criteria provided, single submitter. Criteria: Invitae Variant Classification Sherloc (09022015). Collection method: clinical testing. Allele origin: germline.
Comment: This sequence change replaces threonine, which is neutral and polar, with arginine, which is basic and polar, at codon 1400 of the SMARCA4 protein (p.Thr1400Arg). This variant is not present in population databases (gnomAD no frequency). This variant has not been reported in the literature in individuals affected with SMARCA4-related conditions. ClinVar contains an entry for this variant (Variation ID: 824662). An algorithm developed to predict the effect of missense changes on protein structure and function (PolyPhen-2) suggests that this variant is likely to be tolerated. In summary, the available evidence is currently insufficient to determine the role of this variant in disease. Therefore, it has been classified as a Variant of Uncertain Significance.

Literature cited by the submitters: PubMed 34970085 (cited by Ambry Genetics).